The following is an entry in ClinVar:

NM_018368.4(LMBRD1):c.796A>G (p.Lys266Glu)

Gene: LMBRD1 (LMBR1 domain containing 1; minus strand). Cytogenetic location: 6q13.
Variant type: single nucleotide variant.
Coding change: c.796A>G on transcript NM_018368.4 (MANE Select); coding-DNA position 796, A replaced by G.
Protein change: p.Lys266Glu; replaces lysine 266 with glutamic acid.
Molecular consequence: missense variant.
Genome position (GRCh38, 1-based): chr6:69,713,764, T>C on the plus strand (A>G on the coding strand, the complement: LMBRD1 is on the minus strand). VCF-style: chr6-69713764-T-C. GRCh37 (hg19) VCF-style: chr6-70423656-T-C.
Other names: c.577A>G, p.Lys193Glu (NM_001363722.2, NM_001367271.1, NM_001367272.1); short protein forms K266E, K193E.
Identifiers: ClinVar variation 533862 (VCV000533862.8), dbSNP rs771226867, ClinGen allele CA3879781.

ClinVar aggregate classification (germline): Uncertain significance (1 of 4 stars; one submission).

Conditions:
Methylmalonic aciduria and homocystinuria type cblF. Also called: COBALAMIN F DISEASE; COBALAMIN, DEFECT IN LYSOSOMAL RELEASE OF; METHYLMALONIC ACIDEMIA AND HOMOCYSTINURIA, cblF TYPE; METHYLMALONIC ACIDURIA DUE TO VITAMIN B12-RELEASE DEFECT; VITAMIN B12 LYSOSOMAL RELEASE DEFECT; VITAMIN B12 STORAGE DISEASE. Identifiers: Orphanet 79284, MedGen C1848578, MONDO:0010183, OMIM 277380.

Allele frequency attached by ClinVar (database versions not stated): gnomAD exomes 0.00003 and 0.00007; TOPMed 0.00003; ExAC 0.00009; gnomAD 0.00002.
gnomAD v4.1: 53 of 1,613,572 alleles (0.0033%); highest among the groups gnomAD compares: Middle Eastern, 0.033%; no homozygotes.

Submission:

Labcorp Genetics (formerly Invitae), Labcorp
Classification: Uncertain significance for Methylmalonic aciduria and homocystinuria type cblF. Last evaluated: 2024-10-24. Review status: criteria provided, single submitter. Criteria: Invitae Variant Classification Sherloc (09022015). Collection method: clinical testing. Allele origin: germline.
Comment: This sequence change replaces lysine, which is basic and polar, with glutamic acid, which is acidic and polar, at codon 266 of the LMBRD1 protein (p.Lys266Glu). This variant is present in population databases (rs771226867, gnomAD 0.01%). This variant has not been reported in the literature in individuals affected with LMBRD1-related conditions. ClinVar contains an entry for this variant (Variation ID: 533862). Invitae Evidence Modeling of protein sequence and biophysical properties (such as structural, functional, and spatial information, amino acid conservation, physicochemical variation, residue mobility, and thermodynamic stability) indicates that this missense variant is not expected to disrupt LMBRD1 protein function with a negative predictive value of 80%. In summary, the available evidence is currently insufficient to determine the role of this variant in disease. Therefore, it has been classified as a Variant of Uncertain Significance.